The following is an entry in ClinVar:

NM_000059.4(BRCA2):c.215A>G (p.Asn72Ser)

Gene: BRCA2 (BRCA2 DNA repair associated; plus strand). Cytogenetic location: 13q13.1.
Variant type: single nucleotide variant.
Coding change: c.215A>G on transcript NM_000059.4 (MANE Select); coding-DNA position 215, A replaced by G.
Protein change: p.Asn72Ser; replaces asparagine 72 with serine.
Molecular consequence: missense variant.
Genome position (GRCh38, 1-based): chr13:32,319,224, A>G. VCF-style: chr13-32319224-A-G. GRCh37 (hg19) VCF-style: chr13-32893361-A-G.
Other names: p.N72S:AAT>AGT; short protein forms N72S.
Identifiers: ClinVar variation 51251 (VCV000051251.32), dbSNP rs276174818, ClinGen allele CA014475.

ClinVar aggregate classification (germline): Conflicting classifications of pathogenicity. Review status: criteria provided, conflicting classifications (1 of 4 stars). 14 submissions from 14 submitters: Uncertain significance (5); Benign (1); Likely benign (4). 4 of the submissions do not count toward it. Last evaluated 2026-01-10.

Conditions:
Infiltrating duct carcinoma of breast. Also called: Invasive ductal breast carcinoma; Invasive Ductal Carcinoma, Not Otherwise Specified. Identifiers: MedGen C1412014, MONDO:0004953.
BRCA2-related disorder. Also called: BRCA2-related condition; BRCA2-related disorders. Identifiers: MedGen CN239275.
Hereditary cancer-predisposing syndrome. Also called: Neoplastic Syndromes, Hereditary; Tumor predisposition; Hereditary Cancer Syndrome; Hereditary neoplastic syndrome. Identifiers: Orphanet 140162, MedGen C0027672, MeSH D009386, MONDO:0015356.
Familial prostate cancer. Also called: Hereditary Prostate Cancer. Identifiers: MedGen C2931456, MONDO:0700275, OMIM 176807.
Ovarian cancer. Also called: OVARIAN CANCER, SOMATIC. Identifiers: Orphanet 213500, MedGen C1140680, MONDO:0008170, OMIM 167000.
Hereditary breast ovarian cancer syndrome. Also called: Breast and ovarian cancer; Hereditary breast and ovarian cancer; Hereditary breast and ovarian cancer syndrome (HBOC); Hereditary breast and ovarian cancer syndrome; BRCA1- and BRCA2-Associated Hereditary Breast and Ovarian Cancer; Hereditary breast and/or ovarian cancer syndrome. Identifiers: Orphanet 145, MedGen C0677776, MeSH D061325, MONDO:0003582. Disease mechanism: loss of function.
Breast-ovarian cancer, familial, susceptibility to, 2 (BROVCA2). Also called: BRCA2 Hereditary Breast and Ovarian Cancer. Identifiers: Orphanet 145, MedGen C2675520, MONDO:0012933, OMIM 612555. Disease mechanism: loss of function.
Familial cancer of breast. Also called: BREAST CANCER, FAMILIAL; hereditary breast carcinoma; Hereditary breast cancer. Identifiers: Orphanet 227535, MedGen C0346153, MONDO:0016419, OMIM 114480. Disease mechanism: loss of function.

Allele frequency attached by ClinVar (database versions not stated): gnomAD 0.00001; gnomAD exomes 0.00001 and 0.00004; ExAC 0.00002; TOPMed 0.00004.
gnomAD v4.1: 15 of 1,613,762 alleles (0.00093%); highest among the groups gnomAD compares: East Asian, 0.033%; no homozygotes.

Submissions (14):

Labcorp Genetics (formerly Invitae), Labcorp
Classification: Likely benign for Hereditary breast ovarian cancer syndrome. Last evaluated: 2026-01-10. Review status: criteria provided, single submitter. Criteria: Invitae Variant Classification Sherloc (09022015). Collection method: clinical testing. Allele origin: germline.

PreventionGenetics, part of Exact Sciences
Classification: Likely benign for BRCA2-related condition. Last evaluated: 2025-05-27. Review status: criteria provided, single submitter. Criteria: ACMG Guidelines, 2015. Collection method: clinical testing. Allele origin: germline.
Comment: This variant is classified as likely benign based on ACMG/AMP sequence variant interpretation guidelines (Richards et al. 2015 PMID: 25741868, with internal and published modifications).

St. Jude Molecular Pathology, St. Jude Children's Research Hospital
Classification: Uncertain significance for Breast-ovarian cancer, familial, susceptibility to, 2. Last evaluated: 2024-08-03. Review status: criteria provided, single submitter. Criteria: St. Jude Assertion Criteria 2020. Collection method: clinical testing. Allele origin: germline.
Comment: The BRCA2 c.215A>G (p.Asn72Ser) missense variant has a maximum subpopulation frequency of 0.055% in gnomAD v2.1.1. This variant has been reported in the literature in both individuals with breast cancer and healthy controls (PMID: 28222693, 30287823, 30702160, 32467295, 35918668). The in silico tool REVEL predicts a benign effect on protein function, but to our knowledge this prediction has not been confirmed by functional studies. In summary, the evidence currently available is insufficient to determine the clinical significance of this variant. It has therefore been classified as of uncertain significance.

GeneDx
Classification: Uncertain significance. Last evaluated: 2023-03-27. Review status: criteria provided, single submitter. Criteria: GeneDx Variant Classification Process June 2021. Collection method: clinical testing. Allele origin: germline. Affected: yes.
Comment: In silico analysis supports that this missense variant does not alter protein structure/function; Also known as 443A>G; This variant is associated with the following publications: (PMID: 10923033, 18627636, 28222693, 22476429, 28873162, 30287823, 31925297, 32377563, 30702160, 30883759, 32467295, 31837001, 31853058)

Department of Pathology and Laboratory Medicine, Sinai Health System
Classification: Uncertain significance for Familial prostate cancer. Last evaluated: 2022-11-21. Review status: criteria provided, single submitter. Criteria: ACMG Guidelines, 2015. Collection method: clinical testing. Allele origin: germline. Affected: yes.

Laboratory of Molecular Epidemiology of Birth Defects, West China Second University Hospital, Sichuan University
Classification: Benign for Ovarian cancer. Last evaluated: 2022-01-01. Review status: criteria provided, single submitter. Criteria: ACMG Guidelines, 2015. Collection method: clinical testing. Allele origin: germline. Affected: yes.

Women's Health and Genetics/Laboratory Corporation of America, LabCorp
Classification: Uncertain significance. Last evaluated: 2021-10-18. Review status: criteria provided, single submitter. Criteria: LabCorp Variant Classification Summary - May 2015. Collection method: clinical testing. Allele origin: germline.
Comment: Variant summary: BRCA2 c.215A>G (p.Ser215Arg) results in a conservative amino acid change in the encoded protein sequence. Five of five in-silico tools predict a benign effect of the variant on protein function. The variant allele was found at a frequency of 4e-05 in 251386 control chromosomes (gnomAD). This frequency is not significantly higher than expected for a pathogenic variant in BRCA2 causing Hereditary Breast And Ovarian Cancer Syndrome (4e-05 vs 0.00075), allowing no conclusion about variant significance. c.215A>G has been reported in the literature in individuals affected with Hereditary Breast And Ovarian Cancer (example, Thirthagiri_2008, Lu_2012, Lai_2017) and unaffected healthy control individuals (example Lai_2017, Momozawa_2018, and Guo_2019) . These reports do not provide unequivocal conclusions about association of the variant with Hereditary Breast And Ovarian Cancer Syndrome. To our knowledge, no experimental evidence demonstrating an impact on protein function has been reported. Seven clinical diagnostic laboratories have submitted clinical-significance assessments for this variant to ClinVar after 2014. Five laboratories have classified the variant as unknown significance and two laboratories classified the variant as likely benign. Based on the evidence outlined above, the variant was classified as VUS.

Ambry Genetics
Classification: Likely benign for Hereditary cancer-predisposing syndrome. Last evaluated: 2021-04-14. Review status: criteria provided, single submitter. Criteria: Ambry Variant Classification Scheme 2023. Collection method: clinical testing. Allele origin: germline.

Mayo Clinic Laboratories, Mayo Clinic
Classification: Uncertain significance. Last evaluated: 2020-11-06. Review status: criteria provided, single submitter. Criteria: ACMG Guidelines, 2015. Collection method: clinical testing. Allele origin: germline. Observed: 1 variant allele.

Color Diagnostics, LLC DBA Color Health
Classification: Likely benign for Hereditary cancer-predisposing syndrome. Last evaluated: 2015-12-02. Review status: criteria provided, single submitter. Criteria: ACMG Guidelines, 2015. Collection method: clinical testing. Allele origin: germline.

3DMed Clinical Laboratory Inc
Classification: Uncertain significance for Invasive Ductal Carcinoma, Not Otherwise Specified. Last evaluated: 2018-05-21. Review status: no assertion criteria provided. Criteria: ACMG Guidelines, 2015. Collection method: clinical testing. Allele origin: germline. Affected: yes. Not counted in ClinVar's aggregate classification.

Counsyl
Classification: Uncertain significance for Breast-ovarian cancer, familial, susceptibility to, 2. Last evaluated: 2016-01-06. Review status: no assertion criteria provided. Collection method: clinical testing. Allele origin: unknown. Not counted in ClinVar's aggregate classification.

Breast Cancer Information Core (BIC) (BRCA2)
Classification: Uncertain significance for Breast-ovarian cancer, familial 2. Last evaluated: 2010-09-18. Review status: no assertion criteria provided. Collection method: clinical testing. Allele origin: germline. Affected: yes. Observed: 1 variant allele. Not counted in ClinVar's aggregate classification.

Center for Precision Medicine, Meizhou People's Hospital
Classification: Uncertain significance for Familial cancer of breast. Review status: no assertion criteria provided. Collection method: literature only. Allele origin: germline. Affected: yes. Not counted in ClinVar's aggregate classification.

Literature cited by the submitters: PubMed 33471991 (cited by Department of Pathology and Laboratory Medicine, Sinai Health System); PubMed 30287823 (cited by 3 submitters); PubMed 18627636 (cited by 4 submitters); PubMed 22476429 (cited by 3 submitters); PubMed 28222693 (cited by 3 submitters); PubMed 31837001 (cited by Women's Health and Genetics/Laboratory Corporation of America, LabCorp and Center for Precision Medicine, Meizhou People's Hospital).